The following is an entry in ClinVar:

ClinVar aggregate classification (germline): Conflicting classifications of pathogenicity. Review status: criteria provided, conflicting classifications (1 of 4 stars). 2 submissions from 2 submitters: Uncertain significance (1); Likely benign (1). Last evaluated 2026-01-05.

Allele frequency attached by ClinVar (database versions not stated): gnomAD 0.00004; TOPMed 0.00007.
gnomAD v4.1: 133 of 1,613,870 alleles (0.0082%); highest among the groups gnomAD compares: Middle Eastern, 0.049%; no homozygotes.

Submissions (2):

Labcorp Genetics (formerly Invitae), Labcorp
Classification: Uncertain significance. Last evaluated: 2026-01-05. Review status: criteria provided, single submitter. Criteria: Invitae Variant Classification Sherloc (09022015). Collection method: clinical testing. Allele origin: germline.
Comment: This sequence change affects codon 466 of the TBCE mRNA. It is a 'silent' change, meaning that it does not change the encoded amino acid sequence of the TBCE protein. It affects a nucleotide within the consensus splice site. This variant is present in population databases (rs762799965, gnomAD 0.03%). This variant has not been reported in the literature in individuals affected with TBCE-related conditions. ClinVar contains an entry for this variant (Variation ID: 1350602). Algorithms developed to predict the effect of sequence changes on RNA splicing suggest that this variant is not likely to affect RNA splicing. In summary, the available evidence is currently insufficient to determine the role of this variant in disease. Therefore, it has been classified as a Variant of Uncertain Significance.

Blueprint Genetics
Classification: Likely benign. Last evaluated: 2024-06-10. Review status: criteria provided, single submitter. Criteria: ACMG Guidelines, 2015. Collection method: clinical testing. Allele origin: germline.

NM_003193.5(TBCE):c.1398G>A (p.Pro466=)

Genes: B3GALNT2 (beta-1,3-N-acetylgalactosaminyltransferase 2; minus strand), TBCE (tubulin folding cofactor E; plus strand), LOC126806060 (MED14-independent group 3 enhancer GRCh37_chr1:235605546-235606745; plus strand). Cytogenetic location: 1q42.3.
Variant type: single nucleotide variant.
Coding change: c.1398G>A on transcript NM_003193.5 (MANE Select); coding-DNA position 1398, G replaced by A.
Protein change: p.Pro466=; no amino-acid change (proline 466 retained).
Molecular consequence: synonymous variant.
Genome position (GRCh38, 1-based): chr1:235,442,910, G>A. VCF-style: chr1-235442910-G-A. GRCh37 (hg19) VCF-style: chr1-235606225-G-A.
Other names: c.1398G>A, p.Pro466= (NM_001079515.3); c.1551G>A, p.Pro517= (NM_001287801.2); c.1059G>A, p.Pro353= (NM_001287802.2).
Identifiers: ClinVar variation 1350602 (VCV001350602.8), dbSNP rs762799965, ClinGen allele CA1464445.